The following is an entry in ClinVar:

ClinVar aggregate classification (germline): Uncertain significance (1 of 4 stars; one submission).

Allele frequency attached by ClinVar (database versions not stated): ExAC 0.00001; gnomAD exomes 0.00001; gnomAD 0.00002; TOPMed 0.00002; ESP Exome Variant Server 0.00008.
gnomAD v4.1: 24 of 1,590,524 alleles (0.0015%); highest among the groups gnomAD compares: South Asian, 0.0045%; no homozygotes.

Submission:

Labcorp Genetics (formerly Invitae), Labcorp
Classification: Uncertain significance. Last evaluated: 2022-10-17. Review status: criteria provided, single submitter. Criteria: Invitae Variant Classification Sherloc (09022015). Collection method: clinical testing. Allele origin: germline.
Comment: In summary, the available evidence is currently insufficient to determine the role of this variant in disease. Therefore, it has been classified as a Variant of Uncertain Significance. Algorithms developed to predict the effect of sequence changes on RNA splicing suggest that this variant may disrupt the consensus splice site. This variant has not been reported in the literature in individuals affected with CACNA1B-related conditions. The frequency data for this variant in the population databases is considered unreliable, as metrics indicate poor data quality at this position in the gnomAD database. This sequence change affects codon 395 of the CACNA1B mRNA. It is a 'silent' change, meaning that it does not change the encoded amino acid sequence of the CACNA1B protein. It affects a nucleotide within the consensus splice site.

NM_000718.4(CACNA1B):c.1185G>A (p.Ala395=)

Gene: CACNA1B (calcium voltage-gated channel subunit alpha1 B; plus strand). Cytogenetic location: 9q34.3.
Variant type: single nucleotide variant.
Coding change: c.1185G>A on transcript NM_000718.4 (MANE Select); coding-DNA position 1185, G replaced by A.
Protein change: p.Ala395=; no amino-acid change (alanine 395 retained).
Molecular consequence: synonymous variant.
Genome position (GRCh38, 1-based): chr9:137,955,812, G>A. VCF-style: chr9-137955812-G-A. GRCh37 (hg19) VCF-style: chr9-140850264-G-A.
Other names: c.1185G>A, p.Ala395= (NM_001243812.2).
Identifiers: ClinVar variation 2049551 (VCV002049551.2), dbSNP rs376560399, ClinGen allele CA5376056.